The following is an entry in ClinVar:

NM_000147.5(FUCA1):c.7G>A (p.Ala3Thr)

Gene: FUCA1 (alpha-L-fucosidase 1; minus strand). Cytogenetic location: 1p36.11.
Variant type: single nucleotide variant.
Coding change: c.7G>A on transcript NM_000147.5 (MANE Select); coding-DNA position 7, G replaced by A.
Protein change: p.Ala3Thr; replaces alanine 3 with threonine.
Molecular consequence: missense variant.
Genome position (GRCh38, 1-based): chr1:23,868,280, C>T on the plus strand (G>A on the coding strand, the complement: FUCA1 is on the minus strand). VCF-style: chr1-23868280-C-T. GRCh37 (hg19) VCF-style: chr1-24194770-C-T.
Other names: c.7G>A (NM_000147.4); short protein forms A3T.
Identifiers: ClinVar variation 1512186 (VCV001512186.8), dbSNP rs61996282, ClinGen allele CA686651.

ClinVar aggregate classification (germline): Conflicting classifications of pathogenicity. Review status: criteria provided, conflicting classifications (1 of 4 stars). 2 submissions from 2 submitters: Uncertain significance (1); Likely benign (1). Last evaluated 2025-12-01.

Conditions:
Fucosidosis. Also called: ALPHA-L-FUCOSIDASE DEFICIENCY. Identifiers: Orphanet 349, MedGen C0016788, MONDO:0009254, OMIM 230000.

Allele frequency attached by ClinVar (database versions not stated): 1000 Genomes Project 30x 0.00078; 1000 Genomes Project 0.00080.
gnomAD v4.1: 152 of 1,549,780 alleles (0.0098%); highest among the groups gnomAD compares: African/African-American, 0.14%; no homozygotes.

Submissions (2):

Labcorp Genetics (formerly Invitae), Labcorp
Classification: Likely benign for Fucosidosis. Last evaluated: 2025-12-01. Review status: criteria provided, single submitter. Criteria: Invitae Variant Classification Sherloc (09022015). Collection method: clinical testing. Allele origin: germline.

GeneDx
Classification: Uncertain significance. Last evaluated: 2023-06-02. Review status: criteria provided, single submitter. Criteria: GeneDx Variant Classification Process June 2021. Collection method: clinical testing. Allele origin: germline. Affected: yes.
Comment: In silico analysis supports that this missense variant does not alter protein structure/function; Has not been previously published as pathogenic or benign to our knowledge